The following is an entry in ClinVar:

NM_014855.3(AP5Z1):c.1073_1099del (p.Arg358_Val366del)

Gene: AP5Z1 (adaptor related protein complex 5 subunit zeta 1; plus strand). Cytogenetic location: 7p22.1.
Variant type: Deletion.
Coding change: c.1073_1099del on transcript NM_014855.3 (MANE Select); coding-DNA positions 1073 to 1099, 27 bases deleted (GCGGGGACCCGGCCTCTGTGCGGGTGC).
Protein change: p.Arg358_Val366del.
Molecular consequence: inframe deletion. On other transcripts: non-coding transcript variant (1).
Genome position (GRCh38, 1-based): chr7:4,785,625-4,785,651, GCGGGGACCCGGCCTCTGTGCGGGTGC deleted; deleting any 27 consecutive bases within chr7:4,785,617-4,785,651 gives the same sequence; the c. name uses the placement nearest the transcript's 3' end. VCF-style (leftmost placement, unchanged base first): chr7-4785616-GGCGGGTGCGCGGGGACCCGGCCTCTGT-G. GRCh37 (hg19) VCF-style: chr7-4825247-GGCGGGTGCGCGGGGACCCGGCCTCTGT-G.
Other names: c.605_631del, p.Arg202_Val210del (NM_001364858.1); c.1073_1099del, p.Arg358_Val366del (LRG_1247t1).
Identifiers: ClinVar variation 446845 (VCV000446845.8), dbSNP rs1339701497, ClinGen allele CA572819218.
Genomic context (GRCh38, chr7:4,785,616, plus strand): 5'-TGTGCCGGCAGGACCCGTCCTTCCTGTACCGAAGTCTCTCCTGCCTGAAGGCCCTGCACG[GGCGGGTGCGCGGGGACCCGGCCTCTGT>G]GCGGGTGCTGCTGCCCCTCGCCCACTTCTTCCTGAGCCACGGTGAGCCCAGGGTGGGGTG-3'

ClinVar aggregate classification (germline): Uncertain significance. Review status: criteria provided, multiple submitters, no conflicts (2 of 4 stars). 3 submissions from 3 submitters: Uncertain significance (3). Last evaluated 2022-04-12.

Conditions:
Hereditary spastic paraplegia 48. Also called: SPASTIC PARAPLEGIA 48, AUTOSOMAL RECESSIVE; Spastic paraplegia 48. Identifiers: Orphanet 306511, MedGen C3150901, MONDO:0013342, OMIM 613647.
Hereditary spastic paraplegia. Also called: Familial spastic paraparesis. Identifiers: Orphanet 685, MedGen C0037773, MONDO:0019064. Disease mechanism: loss of function.

Submissions (3):

Labcorp Genetics (formerly Invitae), Labcorp
Classification: Uncertain significance for Hereditary spastic paraplegia 48. Last evaluated: 2022-04-12. Review status: criteria provided, single submitter. Criteria: Invitae Variant Classification Sherloc (09022015). Collection method: clinical testing. Allele origin: germline.
Comment: This variant has not been reported in the literature in individuals affected with AP5Z1-related conditions. This variant is present in population databases (no rsID available, gnomAD 0.007%). This variant, c.1073_1099del, results in the deletion of 9 amino acid(s) of the AP5Z1 protein (p.Arg358_Val366del), but otherwise preserves the integrity of the reading frame. ClinVar contains an entry for this variant (Variation ID: 446845). In summary, the available evidence is currently insufficient to determine the role of this variant in disease. Therefore, it has been classified as a Variant of Uncertain Significance. Experimental studies and prediction algorithms are not available or were not evaluated, and the functional significance of this variant is currently unknown.

Genome Diagnostics Laboratory, The Hospital for Sick Children
Classification: Uncertain significance for Hereditary spastic paraplegia. Last evaluated: 2020-03-03. Review status: criteria provided, single submitter. Criteria: ACMG Guidelines, 2015. Collection method: clinical testing. Allele origin: germline. Affected: yes.

Athena Diagnostics
Classification: Uncertain significance. Last evaluated: 2016-12-29. Review status: criteria provided, single submitter. Criteria: Athena Diagnostics Criteria. Collection method: clinical testing. Allele origin: germline.